The following is an entry in ClinVar:

NM_001375524.1(TRRAP):c.438G>A (p.Pro146=)

Gene: TRRAP (transformation/transcription domain associated protein; plus strand). Cytogenetic location: 7q22.1.
Variant type: single nucleotide variant.
Coding change: c.438G>A on transcript NM_001375524.1 (MANE Select); coding-DNA position 438, G replaced by A.
Protein change: p.Pro146=; no amino-acid change (proline 146 retained).
Molecular consequence: synonymous variant.
Genome position (GRCh38, 1-based): chr7:98,893,869, G>A. VCF-style: chr7-98893869-G-A. GRCh37 (hg19) VCF-style: chr7-98491492-G-A.
Other names: c.438G>A, p.Pro146= (NM_001244580.2, NM_003496.4).
Identifiers: ClinVar variation 2895708 (VCV002895708.21), dbSNP rs140309392, ClinGen allele CA4359234.

ClinVar aggregate classification (germline): Likely benign. Review status: criteria provided, multiple submitters, no conflicts (2 of 4 stars). 2 submissions from 2 submitters: Likely benign (2). Last evaluated 2025-08-02.

Allele frequency attached by ClinVar (database versions not stated): ExAC 0.00001; gnomAD exomes 0.00001; TOPMed 0.00002; ESP Exome Variant Server 0.00008.
gnomAD v4.1: 11 of 1,613,370 alleles (0.00068%); highest among the groups gnomAD compares: Admixed American, 0.0017%; no homozygotes.

Submissions (2):

Labcorp Genetics (formerly Invitae), Labcorp
Classification: Likely benign. Last evaluated: 2025-08-02. Review status: criteria provided, single submitter. Criteria: Invitae Variant Classification Sherloc (09022015). Collection method: clinical testing. Allele origin: germline.

CeGaT Center for Human Genetics Tuebingen
Classification: Likely benign. Last evaluated: 2024-06-01. Review status: criteria provided, single submitter. Criteria: CeGaT Center For Human Genetics Tuebingen Variant Classification Criteria Version 2. Collection method: clinical testing. Allele origin: germline. Affected: yes. Observed: 1 variant allele.
Comment: TRRAP: BP4, BP7